The following is an entry in ClinVar:

ClinVar aggregate classification (germline): Uncertain significance (1 of 4 stars; one submission).

Conditions:
Nemaline myopathy 2 (NEM2). Also called: Nemaline myopathy 2, autosomal recessive. Identifiers: MedGen C1850569, MONDO:0009725, OMIM 256030.

Submission:

Labcorp Genetics (formerly Invitae), Labcorp
Classification: Uncertain significance for Nemaline myopathy 2. Last evaluated: 2021-06-15. Review status: criteria provided, single submitter. Criteria: Invitae Variant Classification Sherloc (09022015). Collection method: clinical testing. Allele origin: germline.
Comment: This sequence change replaces glutamic acid with glycine at codon 2676 of the NEB protein (p.Glu2676Gly). The glutamic acid residue is moderately conserved and there is a moderate physicochemical difference between glutamic acid and glycine. This variant is not present in population databases (ExAC no frequency). This variant has not been reported in the literature in individuals with NEB-related conditions. Algorithms developed to predict the effect of missense changes on protein structure and function are either unavailable or do not agree on the potential impact of this missense change (SIFT: "Deleterious"; PolyPhen-2: "Not Available"; Align-GVGD: "Class C0"). In summary, the available evidence is currently insufficient to determine the role of this variant in disease. Therefore, it has been classified as a Variant of Uncertain Significance.

NM_001164508.2(NEB):c.8027A>G (p.Glu2676Gly)

Gene: NEB (nebulin; minus strand). Cytogenetic location: 2q23.3.
Variant type: single nucleotide variant.
Coding change: c.8027A>G on transcript NM_001164508.2 (MANE Select); coding-DNA position 8027, A replaced by G.
Protein change: p.Glu2676Gly; replaces glutamic acid 2676 with glycine.
Molecular consequence: missense variant.
Genome position (GRCh38, 1-based): chr2:151,643,283, T>C on the plus strand (A>G on the coding strand, the complement: NEB is on the minus strand). VCF-style: chr2-151643283-T-C. GRCh37 (hg19) VCF-style: chr2-152499797-T-C.
Other names: c.8027A>G, p.Glu2676Gly (NM_001164507.2, NM_001271208.2, NM_004543.5); short protein forms E2676G.
Identifiers: ClinVar variation 1447997 (VCV001447997.8), dbSNP rs2154114705, ClinGen allele CA348813715.